The following is an entry in ClinVar:

NM_000455.4(STK11):c.-1115-?_290+?del

Gene: STK11 (serine/threonine kinase 11; plus strand).
Variant type: Deletion.
Coding change: c.-1115-?_290+?del on transcript NM_000455.4.
Other names: c.-1115-?_290+?del (LRG_319t1).
Identifiers: ClinVar variation 254061 (VCV000254061.1).

ClinVar aggregate classification (germline): Pathogenic (1 of 4 stars; one submission).

Conditions:
Peutz-Jeghers syndrome (PJS). Also called: POLYPOSIS, HAMARTOMATOUS INTESTINAL; POLYPS-AND-SPOTS SYNDROME; Peutz-Jeghers polyposis; Periorificial lentiginosis syndrome. Identifiers: Orphanet 2869, MedGen C0031269, MeSH D010580, MONDO:0008280, OMIM 175200.

Submission:

Labcorp Genetics (formerly Invitae), Labcorp
Classification: Pathogenic for Peutz-Jeghers syndrome. Last evaluated: 2016-01-27. Review status: criteria provided, single submitter. Criteria: Invitae Variant Classification Sherloc (09022015). Collection method: clinical testing. Allele origin: germline.
Comment: This variant is a gross deletion of the genomic region encompassing exon 1 of the STK11 gene, which includes the initiator codon. It is predicted to result in an absent or truncated protein product. The 5' end of this event is unknown as it extends beyond the assayed region for this gene and therefore may encompass additional genes. The 3' boundary is likely confined to intron 1 of the STK11 gene. Truncating variants in STK11 are known to be pathogenic (PMID: 15188174, 16287113). Similar deletions of exon 1 have been reported in Peutz-Jeghers syndrome patients (PMID: 22382802, 19727776, 24260271) and in a patient with gastrointestinal polyposis (PMID: 23399955). Exonic deletions are a common cause of Peutz-Jeghers syndrome; in cohort studies it has been shown that deletions account for ~16% to 30% of reported cases (PMID: 20623358, 16287113). Exon 1 of STK11 contains the translation initiator codon and a portion of the protein kinase domain, as well as several residues predicted to be phosphorylated which are needed for protein localization (PMID: 12829253), suggesting that this deletion is likely to abrogate production of the STK11 protein. For these reasons, this variant has been classified as Pathogenic.